The following is an entry in ClinVar:

NM_000257.4(MYH7):c.1921G>A (p.Gly641Ser)

Gene: MYH7 (myosin heavy chain 7; minus strand). Cytogenetic location: 14q11.2.
Variant type: single nucleotide variant.
Coding change: c.1921G>A on transcript NM_000257.4 (MANE Select); coding-DNA position 1921, G replaced by A.
Protein change: p.Gly641Ser; replaces glycine 641 with serine.
Molecular consequence: missense variant.
Genome position (GRCh38, 1-based): chr14:23,427,275, C>T on the plus strand (G>A on the coding strand, the complement: MYH7 is on the minus strand). VCF-style: chr14-23427275-C-T. GRCh37 (hg19) VCF-style: chr14-23896484-C-T.
Other names: short protein forms G641S.
Identifiers: ClinVar variation 1045293 (VCV001045293.9), dbSNP rs1892730026, ClinGen allele CA389049529.

ClinVar aggregate classification (germline): Likely pathogenic. Review status: criteria provided, multiple submitters, no conflicts (2 of 4 stars). 2 submissions from 2 submitters: Likely pathogenic (2). Last evaluated 2025-11-01.

Conditions:
Hypertrophic cardiomyopathy 1 (CMH1). Also called: Familial hypertrophic cardiomyopathy 1; MYH7-Related Familial Hypertrophic Cardiomyopathy. Identifiers: MedGen C3495498, MONDO:0008647, OMIM 192600.
Dilated cardiomyopathy 1S (CMD1S). Identifiers: Orphanet 154, Orphanet 54260, MedGen C1834481, MONDO:0013262, OMIM 613426.
Hypertrophic cardiomyopathy. Also called: HYPERTROPHIC MYOCARDIOPATHY. Identifiers: Orphanet 217569, MedGen C0007194, MeSH D002312, MONDO:0005045, HP:0001639.

Submissions (2):

Labcorp Genetics (formerly Invitae), Labcorp
Classification: Likely pathogenic for Hypertrophic cardiomyopathy. Last evaluated: 2025-11-01. Review status: criteria provided, single submitter. Criteria: Invitae Variant Classification Sherloc (09022015). Collection method: clinical testing. Allele origin: germline.
Comment: This sequence change replaces glycine, which is neutral and non-polar, with serine, which is neutral and polar, at codon 641 of the MYH7 protein (p.Gly641Ser). This variant is not present in population databases (gnomAD no frequency). This missense change has been observed in individual(s) with dilated cardiomyopathy (internal data). ClinVar contains an entry for this variant (Variation ID: 1045293). Invitae Evidence Modeling of protein sequence and biophysical properties (such as structural, functional, and spatial information, amino acid conservation, physicochemical variation, residue mobility, and thermodynamic stability) indicates that this missense variant is expected to disrupt MYH7 protein function with a positive predictive value of 95%. This variant is found within a region of MYH7 between codons 181 and 937 that contains the majority of the myosin head domain. Missense variants in this region have been shown to be significantly overrepresented in individuals with hypertrophic cardiomyopathy (PMID: 27532257). In summary, the currently available evidence indicates that the variant is pathogenic, but additional data are needed to prove that conclusively. Therefore, this variant has been classified as Likely Pathogenic.

Molecular Genetics Department, Kulakov National Medical Research Center for Obstetrics, Gynecology and Perinatology
Classification: Likely pathogenic for Dilated cardiomyopathy 1S; Hypertrophic cardiomyopathy 1. Review status: criteria provided, single submitter. Criteria: ACMG Guidelines, 2015. Collection method: clinical testing. Allele origin: germline. Affected: yes.
Comment: A previously undescribed nucleotide variant creates a missense p.Gly641Ser in the MYH7 gene. Heterozygous missense variants are reported in patients with Cardiomyopathy, dilated, 1S, 613426, Cardiomyopathy, hypertrophic, 1, 192600, Left ventricular noncompaction 5, 613426. Another missense variant at the same position (p.Gly641Ala) was previously described as de novo in patient with dilated cardiomyopathy [Quiat et al., 2020, PMID: 32458740]. It is important to note that de novo missense variants were previously reported in patients with hydrops fetalis due to dilated cardiomyopathy [Deng et al., 2020, PMID: 32267001; Yu et al., 2023, PMID: 36630130]. The variant is not present in population database (gnomAD no frequency). In summary, the currently available evidence indicates that the variant is pathogenic, but additional data are needed to prove that conclusively. Therefore, this variant has been classified as likely pathogenic.

Literature cited by the submitters: PubMed 27532257 (cited by Labcorp Genetics (formerly Invitae), Labcorp).